The following is an entry in ClinVar:

ClinVar aggregate classification (germline): Conflicting classifications of pathogenicity. Review status: criteria provided, conflicting classifications (1 of 4 stars). 4 submissions from 4 submitters: Uncertain significance (3); Likely benign (1). Last evaluated 2025-08-07.

Conditions:
Colorectal cancer. Also called: Malignant Colorectal Neoplasm; Colorectal cancer, somatic. Identifiers: MedGen C0346629, MONDO:0005575, OMIM 114500.
Endometrial carcinoma. Also called: Endometrial carcinoma, somatic. Identifiers: MedGen C0476089, MONDO:0002447, OMIM 608089, HP:0012114.
Colorectal cancer, hereditary nonpolyposis, type 7. Identifiers: Orphanet 144, MedGen C1858380, MONDO:0013725, OMIM 614385.

Allele frequency attached by ClinVar (database versions not stated): ExAC 0.00002; gnomAD exomes 0.00002; gnomAD 0.00003; TOPMed 0.00004; ESP Exome Variant Server 0.00023.
gnomAD v4.1: 174 of 1,614,084 alleles (0.011%); highest among the groups gnomAD compares: Non-Finnish European, 0.014%; no homozygotes.

Submissions (4):

Labcorp Genetics (formerly Invitae), Labcorp
Classification: Uncertain significance for Colorectal cancer, hereditary nonpolyposis, type 7. Last evaluated: 2025-08-07. Review status: criteria provided, single submitter. Criteria: Invitae Variant Classification Sherloc (09022015). Collection method: clinical testing. Allele origin: germline.
Comment: This sequence change replaces glutamic acid, which is acidic and polar, with lysine, which is basic and polar, at codon 1035 of the MLH3 protein (p.Glu1035Lys). This variant is present in population databases (rs143865811, gnomAD 0.008%). This variant has not been reported in the literature in individuals affected with MLH3-related conditions. ClinVar contains an entry for this variant (Variation ID: 566416). An algorithm developed to predict the effect of missense changes on protein structure and function outputs the following: PolyPhen-2: "Benign". The lysine amino acid residue is found in multiple mammalian species, which suggests that this missense change does not adversely affect protein function. Algorithms developed to predict the effect of sequence changes on RNA splicing suggest that this variant may create or strengthen a splice site. In summary, the available evidence is currently insufficient to determine the role of this variant in disease. Therefore, it has been classified as a Variant of Uncertain Significance.

Ambry Genetics
Classification: Uncertain significance. Last evaluated: 2025-03-26. Review status: criteria provided, single submitter. Criteria: Ambry Variant Classification Scheme 2023. Collection method: clinical testing. Allele origin: germline.

Department of Pathology and Laboratory Medicine, Sinai Health System
Classification: Likely benign for Colorectal cancer; Endometrial carcinoma; Colorectal cancer, hereditary nonpolyposis, type 7. Last evaluated: 2025-02-03. Review status: criteria provided, single submitter. Criteria: ACMG Guidelines, 2015. Collection method: clinical testing. Allele origin: germline.

Illumina Laboratory Services, Illumina
Classification: Uncertain significance for Colorectal cancer, hereditary nonpolyposis, type 7. Last evaluated: 2017-04-28. Review status: criteria provided, single submitter. Criteria: ICSL Variant Classification Criteria 13 December 2019. Collection method: clinical testing. Allele origin: germline.

NM_001040108.2(MLH3):c.3103G>A (p.Glu1035Lys)

Gene: MLH3 (mutL homolog 3; minus strand). Cytogenetic location: 14q24.3.
Variant type: single nucleotide variant.
Coding change: c.3103G>A on transcript NM_001040108.2 (MANE Select); coding-DNA position 3103, G replaced by A.
Protein change: p.Glu1035Lys; replaces glutamic acid 1035 with lysine.
Molecular consequence: missense variant.
Genome position (GRCh38, 1-based): chr14:75,046,553, C>T on the plus strand (G>A on the coding strand, the complement: MLH3 is on the minus strand). VCF-style: chr14-75046553-C-T. GRCh37 (hg19) VCF-style: chr14-75513256-C-T.
Other names: c.3103G>A, p.Glu1035Lys (NM_014381.3); short protein forms E1035K.
Identifiers: ClinVar variation 566416 (VCV000566416.16), dbSNP rs143865811, ClinGen allele CA7275590.